The following is an entry in ClinVar:

ClinVar aggregate classification (germline): Uncertain significance. Review status: criteria provided, multiple submitters, no conflicts (2 of 4 stars). 2 submissions from 2 submitters: Uncertain significance (2). Last evaluated 2023-11-30.

Submissions (2):

Labcorp Genetics (formerly Invitae), Labcorp
Classification: Uncertain significance. Last evaluated: 2023-11-30. Review status: criteria provided, single submitter. Criteria: Invitae Variant Classification Sherloc (09022015). Collection method: clinical testing. Allele origin: germline.
Comment: This sequence change replaces arginine, which is basic and polar, with leucine, which is neutral and non-polar, at codon 171 of the CDCA7 protein (p.Arg171Leu). This variant is not present in population databases (gnomAD no frequency). This variant has not been reported in the literature in individuals affected with CDCA7-related conditions. ClinVar contains an entry for this variant (Variation ID: 2556302). Advanced modeling of protein sequence and biophysical properties (such as structural, functional, and spatial information, amino acid conservation, physicochemical variation, residue mobility, and thermodynamic stability) performed at Invitae indicates that this missense variant is not expected to disrupt CDCA7 protein function with a negative predictive value of 80%. In summary, the available evidence is currently insufficient to determine the role of this variant in disease. Therefore, it has been classified as a Variant of Uncertain Significance.

Ambry Genetics
Classification: Uncertain significance. Last evaluated: 2023-06-02. Review status: criteria provided, single submitter. Criteria: Ambry Variant Classification Scheme 2023. Collection method: clinical testing. Allele origin: germline.

NM_031942.5(CDCA7):c.512G>T (p.Arg171Leu)

Gene: CDCA7 (cell division cycle associated 7; plus strand). Cytogenetic location: 2q31.1.
Variant type: single nucleotide variant.
Coding change: c.512G>T on transcript NM_031942.5 (MANE Select); coding-DNA position 512, G replaced by T.
Protein change: p.Arg171Leu; replaces arginine 171 with leucine.
Molecular consequence: missense variant.
Genome position (GRCh38, 1-based): chr2:173,363,353, G>T. VCF-style: chr2-173363353-G-T. GRCh37 (hg19) VCF-style: chr2-174228081-G-T.
Other names: c.275G>T, p.Arg92Leu (NM_145810.3); short protein forms R171L, R92L.
Identifiers: ClinVar variation 2556302 (VCV002556302.5), dbSNP rs1686660018, ClinGen allele CA349324753.